The following is an entry in ClinVar:

NM_000094.4(COL7A1):c.5368G>C (p.Ala1790Pro)

Gene: COL7A1 (collagen type VII alpha 1 chain; minus strand). Cytogenetic location: 3p21.31.
Variant type: single nucleotide variant.
Coding change: c.5368G>C on transcript NM_000094.4 (MANE Select); coding-DNA position 5368, G replaced by C.
Protein change: p.Ala1790Pro; replaces alanine 1790 with proline.
Molecular consequence: missense variant.
Genome position (GRCh38, 1-based): chr3:48,579,217, C>G on the plus strand (G>C on the coding strand, the complement: COL7A1 is on the minus strand). VCF-style: chr3-48579217-C-G. GRCh37 (hg19) VCF-style: chr3-48616650-C-G.
Other names: short protein forms A1790P.
Identifiers: ClinVar variation 2495574 (VCV002495574.4), dbSNP rs780506505, ClinGen allele CA2379544.

ClinVar aggregate classification (germline): Conflicting classifications of pathogenicity. Review status: criteria provided, conflicting classifications (1 of 4 stars). 2 submissions from 2 submitters: Uncertain significance (1); Likely benign (1). Last evaluated 2025-02-10.

Conditions:
Inborn genetic diseases. Identifiers: MedGen C0950123, MeSH D030342.

Submissions (2):

Labcorp Genetics (formerly Invitae), Labcorp
Classification: Uncertain significance. Last evaluated: 2025-02-10. Review status: criteria provided, single submitter. Criteria: Invitae Variant Classification Sherloc (09022015). Collection method: clinical testing. Allele origin: germline.
Comment: This sequence change replaces alanine, which is neutral and non-polar, with proline, which is neutral and non-polar, at codon 1790 of the COL7A1 protein (p.Ala1790Pro). This variant is present in population databases (rs780506505, gnomAD 0.006%). This variant has not been reported in the literature in individuals affected with COL7A1-related conditions. ClinVar contains an entry for this variant (Variation ID: 2495574). Invitae Evidence Modeling of protein sequence and biophysical properties (such as structural, functional, and spatial information, amino acid conservation, physicochemical variation, residue mobility, and thermodynamic stability) indicates that this missense variant is not expected to disrupt COL7A1 protein function with a negative predictive value of 95%. In summary, the available evidence is currently insufficient to determine the role of this variant in disease. Therefore, it has been classified as a Variant of Uncertain Significance.

Ambry Genetics
Classification: Likely benign for Inborn genetic diseases. Last evaluated: 2023-03-13. Review status: criteria provided, single submitter. Criteria: Ambry Variant Classification Scheme 2023. Collection method: clinical testing. Allele origin: germline.